The following is an entry in ClinVar:

NM_000135.4(FANCA):c.2524T>G (p.Ser842Ala)

Gene: FANCA (FA complementation group A; minus strand). Cytogenetic location: 16q24.3.
Variant type: single nucleotide variant.
Coding change: c.2524T>G on transcript NM_000135.4 (MANE Select); coding-DNA position 2524, T replaced by G.
Protein change: p.Ser842Ala; replaces serine 842 with alanine.
Molecular consequence: missense variant.
Genome position (GRCh38, 1-based): chr16:89,767,218, A>C on the plus strand (T>G on the coding strand, the complement: FANCA is on the minus strand). VCF-style: chr16-89767218-A-C. GRCh37 (hg19) VCF-style: chr16-89833626-A-C.
Other names: c.2524T>G, p.Ser842Ala (NM_001286167.3); short protein forms S842A.
Identifiers: ClinVar variation 4022193 (VCV004022193.1).
Genomic context (GRCh38, chr16:89,767,218, plus strand): 5'-GAGATAAGCAGCTGCACAAAGTATCTCGTGACTGGGAAGAAAACTTGCAGAGAGAGTAAG[A>C]AATTGCTGCTGTACAAAATCTGAAAACAGAAATTATAACATATAAATGTAATCCATACAA-3'
Protein context (NP_000126.2, residues 832-852): FCLKFCTAAI[Ser842Ala]YSLCKFSSQS

ClinVar aggregate classification (germline): Uncertain significance (1 of 4 stars; one submission).

Conditions:
Inborn genetic diseases. Identifiers: MedGen C0950123, MeSH D030342.

Submission:

Ambry Genetics
Classification: Uncertain significance for Inborn genetic diseases. Last evaluated: 2025-04-17. Review status: criteria provided, single submitter. Criteria: Ambry Variant Classification Scheme 2023. Collection method: clinical testing. Allele origin: germline.
Comment: The p.S842A variant (also known as c.2524T>G), located in coding exon 27 of the FANCA gene, results from a T to G substitution at nucleotide position 2524. The serine at codon 842 is replaced by alanine, an amino acid with similar properties. This amino acid position is conserved. In addition, this alteration is predicted to be tolerated by in silico analysis. Based on the available evidence, the clinical significance of this variant remains unclear.